The following is an entry in ClinVar:

NM_006030.4(CACNA2D2):c.601G>A (p.Val201Ile)

Gene: CACNA2D2 (calcium voltage-gated channel auxiliary subunit alpha2delta 2; minus strand). Cytogenetic location: 3p21.31.
Variant type: single nucleotide variant.
Coding change: c.601G>A on transcript NM_006030.4 (MANE Select); coding-DNA position 601, G replaced by A.
Protein change: p.Val201Ile; replaces valine 201 with isoleucine.
Molecular consequence: missense variant.
Genome position (GRCh38, 1-based): chr3:50,384,247, C>T on the plus strand (G>A on the coding strand, the complement: CACNA2D2 is on the minus strand). VCF-style: chr3-50384247-C-T. GRCh37 (hg19) VCF-style: chr3-50421678-C-T.
Other names: c.601G>A, p.Val201Ile (NM_001005505.3, NM_001174051.3); c.394G>A, p.Val132Ile (NM_001291101.1); short protein forms V201I, V132I.
Identifiers: ClinVar variation 1042337 (VCV001042337.6), dbSNP rs866928902, ClinGen allele CA74619763.

ClinVar aggregate classification (germline): Uncertain significance (1 of 4 stars; one submission).

Conditions:
Early-infantile DEE. Also called: Ohtahara syndrome; Early infantile epileptic encephalopathy with suppression bursts; Early infantile epileptic encephalopathy. Identifiers: Orphanet 1934, MedGen C0393706, MONDO:0800491.

Allele frequency attached by ClinVar (database versions not stated): TOPMed below 0.00001; gnomAD 0.00001.
gnomAD v4.1: 1 of 1,614,066 alleles (0.000062%); highest among the groups gnomAD compares: Non-Finnish European, 0.000085%; no homozygotes.

Submission:

Labcorp Genetics (formerly Invitae), Labcorp
Classification: Uncertain significance for Early-infantile DEE. Last evaluated: 2020-10-25. Review status: criteria provided, single submitter. Criteria: Invitae Variant Classification Sherloc (09022015). Collection method: clinical testing. Allele origin: germline.
Comment: This variant has not been reported in the literature in individuals with CACNA2D2-related conditions. In summary, the available evidence is currently insufficient to determine the role of this variant in disease. Therefore, it has been classified as a Variant of Uncertain Significance. Algorithms developed to predict the effect of missense changes on protein structure and function are either unavailable or do not agree on the potential impact of this missense change (SIFT: "Deleterious"; PolyPhen-2: "Probably Damaging"; Align-GVGD: "Class C0"). This variant is not present in population databases (ExAC no frequency). This sequence change replaces valine with isoleucine at codon 201 of the CACNA2D2 protein (p.Val201Ile). The valine residue is highly conserved and there is a small physicochemical difference between valine and isoleucine.